The following is an entry in ClinVar:

NM_198173.3(GRHL3):c.710C>T (p.Ser237Phe)

Gene: GRHL3 (grainyhead like transcription factor 3; plus strand). Cytogenetic location: 1p36.11.
Variant type: single nucleotide variant.
Coding change: c.710C>T on transcript NM_198173.3 (MANE Select); coding-DNA position 710, C replaced by T.
Protein change: p.Ser237Phe; replaces serine 237 with phenylalanine.
Molecular consequence: missense variant.
Genome position (GRCh38, 1-based): chr1:24,337,659, C>T. VCF-style: chr1-24337659-C-T. GRCh37 (hg19) VCF-style: chr1-24664149-C-T.
Other names: c.572C>T, p.Ser191Phe (NM_001195010.2); c.725C>T, p.Ser242Phe (NM_021180.4); c.710C>T, p.Ser237Phe (NM_198174.3); short protein forms S191F, S237F, S242F.
Identifiers: ClinVar variation 4279866 (VCV004279866.1).
Genomic context (GRCh38, chr1:24,337,659, plus strand): 5'-GAGCCCAGCCTCACTGTCCTCTCCCTCCTCCCTGCAGTGACTTTGAATACACCCTGGGCT[C>T]CCCCAAAGCCATCCACATCAAGTCAGGCGAGTCACCCATGGCCTACCTCAACAAAGGCCA-3'
Protein context (NP_937816.1, residues 227-247): LKSDFEYTLG[Ser237Phe]PKAIHIKSGE

ClinVar aggregate classification (germline): Uncertain significance (1 of 4 stars; one submission).

Conditions:
Van der Woude syndrome 2 (VWS2). Identifiers: Orphanet 888, MedGen C1847604, MONDO:0011712, OMIM 606713.

Submission:

Clinical Genomics Laboratory, Washington University in St. Louis
Classification: Uncertain significance for Van der Woude syndrome 2. Last evaluated: 2025-06-13. Review status: criteria provided, single submitter. Criteria: ACMG Guidelines, 2015. Collection method: clinical testing. Allele origin: germline.
Comment: The GRHL3 c.710C>T (p.Ser237Phe) variant, to our knowledge, has not been reported in the medical literature. This variant is absent from the general population (gnomAD v.2.1.1), indicating it is not a common variant. Computational predictors are uncertain as to the impact of this variant on GRHL3 function. Due to limited information, and based on ACMG/AMP guidelines for variant interpretation (Richards S et al., PMID: 25741868), the clinical significance of this variant is uncertain at this time.